The following is an entry in ClinVar:

ClinVar aggregate classification (germline): Uncertain significance (1 of 4 stars; one submission).

Conditions:
Inborn genetic diseases. Identifiers: MedGen C0950123, MeSH D030342.

gnomAD v4.1: 5 of 1,551,594 alleles (0.00032%); highest among the groups gnomAD compares: Non-Finnish European, 0.00044%; no homozygotes.

Submission:

Ambry Genetics
Classification: Uncertain significance for Inborn genetic diseases. Last evaluated: 2025-02-06. Review status: criteria provided, single submitter. Criteria: Ambry Variant Classification Scheme 2023. Collection method: clinical testing. Allele origin: germline.
Comment: The p.L650V variant (also known as c.1948C>G), located in coding exon 22 of the FANCA gene, results from a C to G substitution at nucleotide position 1948. The leucine at codon 650 is replaced by valine, an amino acid with highly similar properties. This amino acid position is conserved. In addition, the in silico prediction for this alteration is inconclusive. Based on the available evidence, the clinical significance of this variant remains unclear.

NM_000135.4(FANCA):c.1948C>G (p.Leu650Val)

Gene: FANCA (FA complementation group A; minus strand). Cytogenetic location: 16q24.3.
Variant type: single nucleotide variant.
Coding change: c.1948C>G on transcript NM_000135.4 (MANE Select); coding-DNA position 1948, C replaced by G.
Protein change: p.Leu650Val; replaces leucine 650 with valine.
Molecular consequence: missense variant.
Genome position (GRCh38, 1-based): chr16:89,773,337, G>C on the plus strand (C>G on the coding strand, the complement: FANCA is on the minus strand). VCF-style: chr16-89773337-G-C. GRCh37 (hg19) VCF-style: chr16-89839745-G-C.
Other names: c.1948C>G, p.Leu650Val (NM_001286167.3); short protein forms L650V.
Identifiers: ClinVar variation 3848199 (VCV003848199.1).